The following is an entry in ClinVar:

ClinVar aggregate classification (germline): Uncertain significance (1 of 4 stars; one submission).

Conditions:
Osteogenesis imperfecta type I (OI1). Also called: Lobstein's Disease; Osteogenesis imperfecta type 1; Lobstein disease; Classic Non-deforming Osteogenesis Imperfecta with Blue Sclerae; OI, TYPE I; OSTEOGENESIS IMPERFECTA TARDA. Identifiers: Orphanet 216796, Orphanet 666, MedGen C0023931, MONDO:0008146, OMIM 166200. Disease mechanism: loss of function.

Submission:

Labcorp Genetics (formerly Invitae), Labcorp
Classification: Uncertain significance for Osteogenesis imperfecta type I. Last evaluated: 2022-03-26. Review status: criteria provided, single submitter. Criteria: Invitae Variant Classification Sherloc (09022015). Collection method: clinical testing. Allele origin: germline.
Comment: This variant results in a copy number gain of the genomic region encompassing exon(s) 1-45 of the COL1A1 gene. This region includes the initiator codon of the gene. This copy number gain extends beyond the assayed region for this gene and therefore may encompass additional genes. As the precise location of this event is unknown, it may be in tandem or it may be located elsewhere in the genome. A similar copy number variant has been observed in individual(s) with clinical features of osteogenesis imperfecta (Invitae). In summary, the available evidence is currently insufficient to determine the role of this variant in disease. Therefore, it has been classified as a Variant of Uncertain Significance.

NC_000017.10:g.(?_48265217)_(48278874_?)dup

Gene: COL1A1 (collagen type I alpha 1 chain; minus strand). Cytogenetic location: 17q21.33.
Variant type: Duplication.
Identifiers: ClinVar variation 2422333 (VCV002422333.4).